The following is an entry in ClinVar:

ClinVar aggregate classification (germline): Pathogenic/Likely pathogenic. Review status: criteria provided, multiple submitters, no conflicts (2 of 4 stars). 2 submissions from 2 submitters: Pathogenic (1); Likely pathogenic (1). Last evaluated 2025-08-20.

Conditions:
Glycogen storage disease, type VII (GSD7). Also called: MUSCLE PHOSPHOFRUCTOKINASE DEFICIENCY; PFKM DEFICIENCY; GSD VII; TARUI DISEASE. Identifiers: Orphanet 371, MedGen C0017926, MONDO:0009295, OMIM 232800.

Submissions (2):

Natera, Inc.
Classification: Likely pathogenic for Glycogen storage disease type VII. Last evaluated: 2025-08-20. Review status: criteria provided, single submitter. Criteria: Natera Variant Classification Schema (03/2026). Collection method: clinical testing. Allele origin: germline.
Comment: The c.874del variant in PFKM is a frameshift variant predicted to shift the reading frame beginning at codon 292 and leads to a stop codon 30 codons downstream. This variant is expected to result in nonsense mediated decay, truncation, or a dysfunctional protein product. This variant is rare in the general population with a frequency below the threshold expected for the associated phenotype(s). Given the available evidence, this variant is classified as Likely Pathogenic.

Labcorp Genetics (formerly Invitae), Labcorp
Classification: Pathogenic for Glycogen storage disease, type VII. Last evaluated: 2021-10-18. Review status: criteria provided, single submitter. Criteria: Invitae Variant Classification Sherloc (09022015). Collection method: clinical testing. Allele origin: germline.
Comment: For these reasons, this variant has been classified as Pathogenic. This variant has not been reported in the literature in individuals affected with PFKM-related conditions. This variant is not present in population databases (ExAC no frequency). This sequence change creates a premature translational stop signal (p.Arg292Glyfs*30) in the PFKM gene. It is expected to result in an absent or disrupted protein product. Loss-of-function variants in PFKM are known to be pathogenic (PMID: 7825568, 8037209).

Literature cited by the submitters: PubMed 7825568 (cited by Labcorp Genetics (formerly Invitae), Labcorp); PubMed 8037209 (cited by Labcorp Genetics (formerly Invitae), Labcorp).

NM_000289.6(PFKM):c.874del (p.Arg292fs)

Gene: PFKM (phosphofructokinase, muscle; plus strand). Cytogenetic location: 12q13.11.
Variant type: Deletion.
Coding change: c.874del on transcript NM_000289.6 (MANE Select); coding-DNA position 874, one base deleted (C; older notation c.874delC).
Protein change: p.Arg292fs; shifts the reading frame from arginine 292.
Molecular consequence: frameshift variant. On other transcripts: non-coding transcript variant (6), intron variant (1).
Genome position (GRCh38, 1-based): chr12:48,135,321, C deleted; the last of 3 consecutive C bases (chr12:48,135,319-48,135,321); deleting any one gives the same sequence. VCF-style (leftmost placement, unchanged base first): chr12-48135318-AC-A. GRCh37 (hg19) VCF-style: chr12-48529101-AC-A.
Other names: c.874del (NM_000289.5); c.1087del, p.Arg363fs (NM_001166686.2, NM_001354737.1, NM_001354738.1 and 1 more transcripts); c.874del, p.Arg292fs (NM_001166687.2, NM_001166688.2, NM_001354742.2 and 3 more transcripts); c.1183del, p.Arg395fs (NM_001354735.1, NM_001354736.1); c.1018del, p.Arg340fs (NM_001354740.1); c.898del, p.Arg300fs (NM_001354741.2); c.787del, p.Arg263fs (NM_001354745.2); c.724del, p.Arg242fs (NM_001354747.2, NM_001354748.2); and 1 more; short protein forms R242fs, R363fs, R395fs, R263fs, R292fs, R300fs, R340fs.
Identifiers: ClinVar variation 1457501 (VCV001457501.7), dbSNP rs1369841345, ClinGen allele CA689494116.
Genomic context (GRCh38, chr12:48,135,318, plus strand): 5'-ACCCTCTCTCTGTCCCTCTGTTGGTCCCTTCAGCTGGTGGTTAAGCGTCTGGGATATGAC[AC>A]CCGGGTTACTGTCTTGGGGCATGTGCAGAGGGGTGGGACGCCATCAGCCTTTGACAGAAT-3'